The following is an entry in ClinVar:

ClinVar aggregate classification (germline): Uncertain significance. Review status: criteria provided, multiple submitters, no conflicts (2 of 4 stars). 2 submissions from 2 submitters: Uncertain significance (2). Last evaluated 2025-04-21.

Conditions:
Developmental and epileptic encephalopathy 94 (DEE94). Also called: CHD2-Related Neurodevelopmental Disorders; Epileptic encephalopathy, childhood-onset. Identifiers: Orphanet 1942, Orphanet 2382, MedGen C3809278, MONDO:0014150, OMIM 615369.

Submissions (2):

Clinical Genomics Laboratory, Washington University in St. Louis
Classification: Uncertain significance for Developmental and epileptic encephalopathy 94. Last evaluated: 2025-04-21. Review status: criteria provided, single submitter. Criteria: ACMG Guidelines, 2015. Collection method: clinical testing. Allele origin: germline.
Comment: The CHD2 c.5136C>G (p.His1712Gln) variant, to our knowledge, has not been reported in the medical literature. This variant has been reported in the ClinVar database as a germline variant of uncertain significance by one submitter (Variation ID: 1723051). This variant is absent from the general population (gnomAD v.2.1.1), indicating it is not a common variant. Computational predictors are uncertain as to the impact of this variant on CHD2 function. Due to limited information, and based on ACMG/AMP guidelines for variant interpretation (Richards S et al., PMID: 25741868), the clinical significance of this variant is uncertain at this time.

GeneDx
Classification: Uncertain significance. Last evaluated: 2022-05-02. Review status: criteria provided, single submitter. Criteria: GeneDx Variant Classification Process June 2021. Collection method: clinical testing. Allele origin: germline. Affected: yes.
Comment: Not observed at significant frequency in large population cohorts (gnomAD); In silico analysis supports that this missense variant does not alter protein structure/function; Has not been previously published as pathogenic or benign to our knowledge

NM_001271.4(CHD2):c.5136C>G (p.His1712Gln)

Gene: CHD2 (chromodomain helicase DNA binding protein 2; plus strand). Cytogenetic location: 15q26.1.
Variant type: single nucleotide variant.
Coding change: c.5136C>G on transcript NM_001271.4 (MANE Select); coding-DNA position 5136, C replaced by G.
Protein change: p.His1712Gln; replaces histidine 1712 with glutamine.
Molecular consequence: missense variant.
Genome position (GRCh38, 1-based): chr15:93,020,241, C>G. VCF-style: chr15-93020241-C-G. GRCh37 (hg19) VCF-style: chr15-93563471-C-G.
Other names: short protein forms H1712Q.
Identifiers: ClinVar variation 1723051 (VCV001723051.3), dbSNP rs748292685, ClinGen allele CA393907976.